The following is an entry in ClinVar:

NM_031433.4(MFRP):c.184G>A (p.Asp62Asn)

Genes: C1QTNF5 (C1q and TNF related 5; minus strand), MFRP (membrane frizzled-related protein; minus strand). Cytogenetic location: 11q23.3.
Variant type: single nucleotide variant.
Coding change: c.184G>A on transcript NM_031433.4 (MANE Select); coding-DNA position 184, G replaced by A.
Protein change: p.Asp62Asn; replaces aspartic acid 62 with asparagine.
Molecular consequence: missense variant. On other transcripts: 5 prime UTR variant (1).
Genome position (GRCh38, 1-based): chr11:119,346,133, C>T on the plus strand (G>A on the coding strand, the complement: MFRP is on the minus strand). VCF-style: chr11-119346133-C-T. GRCh37 (hg19) VCF-style: chr11-119216843-C-T.
Other names: c.-2453G>A (NM_015645.5); short protein forms D62N.
Identifiers: ClinVar variation 1365871 (VCV001365871.5), dbSNP rs2135374503, ClinGen allele CA382979543.

ClinVar aggregate classification (germline): Uncertain significance (1 of 4 stars; one submission).

Conditions:
Isolated microphthalmia 5. Also called: Posterior Microphthalmia with Retinitis Pigmentosa, Foveoschisis, and Optic Disc Drusen. Identifiers: Orphanet 251279, MedGen C1970236, MONDO:0012605, OMIM 611040.

Allele frequency attached by ClinVar (database versions not stated): gnomAD exomes 0.00001.
gnomAD v4.1: 3 of 1,601,556 alleles (0.00019%); highest among the groups gnomAD compares: Middle Eastern, 0.033%; no homozygotes.

Submission:

Labcorp Genetics (formerly Invitae), Labcorp
Classification: Uncertain significance for Isolated microphthalmia 5. Last evaluated: 2022-03-10. Review status: criteria provided, single submitter. Criteria: Invitae Variant Classification Sherloc (09022015). Collection method: clinical testing. Allele origin: germline.
Comment: In summary, the available evidence is currently insufficient to determine the role of this variant in disease. Therefore, it has been classified as a Variant of Uncertain Significance. Algorithms developed to predict the effect of missense changes on protein structure and function are either unavailable or do not agree on the potential impact of this missense change (SIFT: "Deleterious"; PolyPhen-2: "Probably Damaging"; Align-GVGD: "Class C0"). This variant has not been reported in the literature in individuals affected with MFRP-related conditions. This variant is not present in population databases (gnomAD no frequency). This sequence change replaces aspartic acid, which is acidic and polar, with asparagine, which is neutral and polar, at codon 62 of the MFRP protein (p.Asp62Asn).